The following is an entry in ClinVar:

ClinVar aggregate classification (germline): Conflicting classifications of pathogenicity. Review status: criteria provided, conflicting classifications (1 of 4 stars). 2 submissions from 2 submitters: Likely pathogenic (1); Uncertain significance (1). Last evaluated 2025-06-05.

Conditions:
Retinitis pigmentosa 12 (RP12). Also called: RP WITH OR WITHOUT PRESERVED PARAARTERIOLE RETINAL PIGMENT EPITHELIUM; RETINITIS PIGMENTOSA WITH OR WITHOUT PARAARTERIOLAR PRESERVATION OF RETINAL PIGMENT EPITHELIUM; RP WITH OR WITHOUT PPRPE. Identifiers: Orphanet 791, MedGen C1838647, MONDO:0010818, OMIM 600105.
Leber congenital amaurosis 8 (LCA8). Identifiers: Orphanet 65, MedGen C3151202, MONDO:0013453, OMIM 613835.

Submissions (2):

Women's Health and Genetics/Laboratory Corporation of America, LabCorp
Classification: Uncertain significance. Last evaluated: 2025-06-05. Review status: criteria provided, single submitter. Criteria: LabCorp Variant Classification Summary - May 2015. Collection method: clinical testing. Allele origin: germline.
Comment: Variant summary: CRB1 c.2640T>G (p.Asn880Lys) results in a non-conservative amino acid change in the encoded protein sequence. Algorithms developed to predict the effect of missense changes on protein structure and function all suggest that this variant is likely to be disruptive. The variant was absent in 250910 control chromosomes. The available data on variant occurrences in the general population are insufficient to allow any conclusion about variant significance. To our knowledge, no occurrence of c.2640T>G in individuals affected with Retinal Dystrophy and no experimental evidence demonstrating its impact on protein function have been reported. ClinVar contains an entry for this variant (Variation ID: 1488642). Based on the evidence outlined above, the variant was classified as uncertain significance.

Labcorp Genetics (formerly Invitae), Labcorp
Classification: Likely pathogenic for Leber congenital amaurosis 8; Retinitis pigmentosa 12. Last evaluated: 2021-11-02. Review status: criteria provided, single submitter. Criteria: Invitae Variant Classification Sherloc (09022015). Collection method: clinical testing. Allele origin: germline.
Comment: This variant disrupts the p.Asn880 amino acid residue in CRB1. Other variant(s) that disrupt this residue have been determined to be pathogenic (PMID: 28041643; Invitae). This suggests that this residue is clinically significant, and that variants that disrupt this residue are likely to be disease-causing. Algorithms developed to predict the effect of sequence changes on RNA splicing suggest that this variant may create or strengthen a splice site. Advanced modeling of protein sequence and biophysical properties (such as structural, functional, and spatial information, amino acid conservation, physicochemical variation, residue mobility, and thermodynamic stability) performed at Invitae indicates that this missense variant is expected to disrupt CRB1 protein function. This variant has not been reported in the literature in individuals affected with CRB1-related conditions. This variant is not present in population databases (gnomAD no frequency). This sequence change replaces asparagine, which is neutral and polar, with lysine, which is basic and polar, at codon 880 of the CRB1 protein (p.Asn880Lys). In summary, the currently available evidence indicates that the variant is pathogenic, but additional data are needed to prove that conclusively. Therefore, this variant has been classified as Likely Pathogenic.

Literature cited by the submitters: PubMed 28041643 (cited by Labcorp Genetics (formerly Invitae), Labcorp).

NM_201253.3(CRB1):c.2640T>G (p.Asn880Lys)

Gene: CRB1 (crumbs cell polarity complex component 1; plus strand). Cytogenetic location: 1q31.3.
Variant type: single nucleotide variant.
Coding change: c.2640T>G on transcript NM_201253.3 (MANE Select); coding-DNA position 2640, T replaced by G.
Protein change: p.Asn880Lys; replaces asparagine 880 with lysine.
Molecular consequence: missense variant. On other transcripts: non-coding transcript variant (2), intron variant (1).
Genome position (GRCh38, 1-based): chr1:197,427,965, T>G. VCF-style: chr1-197427965-T-G. GRCh37 (hg19) VCF-style: chr1-197397095-T-G.
Other names: c.2304T>G, p.Asn768Lys (NM_001193640.2); c.2433T>G, p.Asn811Lys (NM_001257965.2); c.2128+6009T>G (NM_001257966.2); short protein forms N768K, N811K, N880K.
Identifiers: ClinVar variation 1488642 (VCV001488642.7), dbSNP rs2125485441, ClinGen allele CA344038603.